The following is an entry in ClinVar:

NM_206933.4(USH2A):c.11103T>A (p.Tyr3701Ter)

Gene: USH2A (usherin; minus strand). Cytogenetic location: 1q41.
Variant type: single nucleotide variant.
Coding change: c.11103T>A on transcript NM_206933.4 (MANE Select); coding-DNA position 11103, T replaced by A.
Protein change: p.Tyr3701Ter; replaces tyrosine 3701 with a stop codon.
Molecular consequence: nonsense.
Genome position (GRCh38, 1-based): chr1:215,759,788, A>T on the plus strand (T>A on the coding strand, the complement: USH2A is on the minus strand). VCF-style: chr1-215759788-A-T. GRCh37 (hg19) VCF-style: chr1-215933130-A-T.
Other names: short protein forms Y3701*.
Identifiers: ClinVar variation 1457111 (VCV001457111.7), dbSNP rs143453173, ClinGen allele CA344823101.
Genomic context (GRCh38, chr1:215,759,788, plus strand): 5'-TCCATTACGACTCAATTGATATTGAGAAACGAGGCCATTGGGCTTTTCTGGCAGACTCCA[A>T]TATAATTCCACTGTTGTAGAATTGATGATAATGTGTCGAGGTGTCACCCAAACTCCTGGC-3'

ClinVar aggregate classification (germline): Pathogenic/Likely pathogenic. Review status: criteria provided, multiple submitters, no conflicts (2 of 4 stars). 2 submissions from 2 submitters: Pathogenic (1); Likely pathogenic (1). Last evaluated 2023-10-01.

Conditions:
Retinal dystrophy. Also called: Inherited retinal dystrophy. Identifiers: Orphanet 71862, MedGen C0854723, MeSH D058499, MONDO:0019118, HP:0000556.

gnomAD v4.1: 2 of 1,614,058 alleles (0.00012%); highest among the groups gnomAD compares: Non-Finnish European, 0.00017%; no homozygotes.

Submissions (2):

Dept Of Ophthalmology, Nagoya University
Classification: Likely pathogenic for Retinal dystrophy. Last evaluated: 2023-10-01. Review status: criteria provided, single submitter. Criteria: Submitter's publication. Collection method: research. Allele origin: germline. Affected: yes.

Labcorp Genetics (formerly Invitae), Labcorp
Classification: Pathogenic. Last evaluated: 2022-07-19. Review status: criteria provided, single submitter. Criteria: Invitae Variant Classification Sherloc (09022015). Collection method: clinical testing. Allele origin: germline.
Comment: For these reasons, this variant has been classified as Pathogenic. ClinVar contains an entry for this variant (Variation ID: 1457111). This variant has not been reported in the literature in individuals affected with USH2A-related conditions. This variant is not present in population databases (gnomAD no frequency). This sequence change creates a premature translational stop signal (p.Tyr3701*) in the USH2A gene. It is expected to result in an absent or disrupted protein product. Loss-of-function variants in USH2A are known to be pathogenic (PMID: 10729113, 10909849, 20507924, 25649381).

Literature cited by the submitters: PubMed 10729113 (cited by Labcorp Genetics (formerly Invitae), Labcorp); PubMed 10909849 (cited by Labcorp Genetics (formerly Invitae), Labcorp); PubMed 20507924 (cited by Labcorp Genetics (formerly Invitae), Labcorp); PubMed 25649381 (cited by Labcorp Genetics (formerly Invitae), Labcorp).